The following is an entry in ClinVar:

ClinVar aggregate classification (germline): Conflicting classifications of pathogenicity. Review status: criteria provided, conflicting classifications (1 of 4 stars). 12 submissions from 12 submitters: Uncertain significance (7); Benign (2). 3 of the submissions do not count toward it. Last evaluated 2025-12-05.

Conditions:
Hereditary breast ovarian cancer syndrome. Also called: Hereditary breast and ovarian cancer syndrome; Hereditary breast and ovarian cancer; Hereditary breast and ovarian cancer syndrome (HBOC); Breast and ovarian cancer; Hereditary breast and/or ovarian cancer syndrome; BRCA1- and BRCA2-Associated Hereditary Breast and Ovarian Cancer. Identifiers: Orphanet 145, MedGen C0677776, MeSH D061325, MONDO:0003582. Disease mechanism: loss of function.
BRCA2-related cancer predisposition. Identifiers: MedGen CN377758, MONDO:0700269.
Hereditary cancer-predisposing syndrome. Also called: Neoplastic Syndromes, Hereditary; Tumor predisposition; Hereditary neoplastic syndrome; Hereditary Cancer Syndrome. Identifiers: Orphanet 140162, MedGen C0027672, MeSH D009386, MONDO:0015356.
Breast-ovarian cancer, familial, susceptibility to, 2 (BROVCA2). Also called: BRCA2 Hereditary Breast and Ovarian Cancer. Identifiers: Orphanet 145, MedGen C2675520, MONDO:0012933, OMIM 612555. Disease mechanism: loss of function.

Allele frequency attached by ClinVar (database versions not stated): gnomAD 0.00001; TOPMed 0.00002.
gnomAD v4.1: 14 of 1,614,090 alleles (0.00087%); highest among the groups gnomAD compares: African/African-American, 0.0027%; no homozygotes.

Submissions (12):

Labcorp Genetics (formerly Invitae), Labcorp
Classification: Uncertain significance for Hereditary breast ovarian cancer syndrome. Last evaluated: 2025-12-05. Review status: criteria provided, single submitter. Criteria: Invitae Variant Classification Sherloc (09022015). Collection method: clinical testing. Allele origin: germline.
Comment: This sequence change replaces isoleucine, which is neutral and non-polar, with leucine, which is neutral and non-polar, at codon 2700 of the BRCA2 protein (p.Ile2700Leu). This variant is present in population databases (rs80359053, gnomAD 0.007%). This variant has not been reported in the literature in individuals affected with BRCA2-related conditions. ClinVar contains an entry for this variant (Variation ID: 52504). Invitae Evidence Modeling of protein sequence and biophysical properties (such as structural, functional, and spatial information, amino acid conservation, physicochemical variation, residue mobility, and thermodynamic stability) indicates that this missense variant is not expected to disrupt BRCA2 protein function with a negative predictive value of 95%. In summary, the available evidence is currently insufficient to determine the role of this variant in disease. Therefore, it has been classified as a Variant of Uncertain Significance.

Ambry Genetics
Classification: Benign for Hereditary cancer-predisposing syndrome. Last evaluated: 2025-05-09. Review status: criteria provided, single submitter. Criteria: Ambry Variant Classification Scheme 2023. Collection method: clinical testing. Allele origin: germline.

Mayo Clinic Laboratories, Mayo Clinic
Classification: Uncertain significance. Last evaluated: 2025-05-08. Review status: criteria provided, single submitter. Criteria: ACMG Guidelines, 2015. Collection method: clinical testing. Allele origin: germline. Observed: 1 variant allele.
Comment: BP4

Color Diagnostics, LLC DBA Color Health
Classification: Uncertain significance for Hereditary cancer-predisposing syndrome. Last evaluated: 2025-01-07. Review status: criteria provided, single submitter. Criteria: ACMG Guidelines, 2015. Collection method: clinical testing. Allele origin: germline.
Comment: This missense variant replaces isoleucine with leucine at codon 2700 of the BRCA2 protein. Computational prediction suggests that this variant may not impact protein structure and function. To our knowledge, functional studies have not been reported for this variant. A multifactorial analysis has reported a likelihood ratio for pathogenicity based on personal and family history of 1.879 from log(LR)=0.273926944 for one carrier (PMID: 31853058). This variant has been identified in 1/251356 chromosomes in the general population by the Genome Aggregation Database (gnomAD). The available evidence is insufficient to determine the role of this variant in disease conclusively. Therefore, this variant is classified as a Variant of Uncertain Significance.

All of Us Research Program, National Institutes of Health
Classification: Uncertain significance for BRCA2-related cancer predisposition. Last evaluated: 2024-09-23. Review status: criteria provided, single submitter. Criteria: ACMG Guidelines, 2015. Collection method: clinical testing. Allele origin: germline. Inheritance: Autosomal dominant inheritance. Observed: 4 variant alleles, 4 heterozygotes.
Comment: This missense variant replaces isoleucine with leucine at codon 2700 of the BRCA2 protein. Computational prediction suggests that this variant may not impact protein structure and function (internally defined REVEL score threshold <= 0.5, PMID: 27666373). To our knowledge, functional studies have not been reported for this variant. This variant has not been reported in individuals affected with BRCA2-related disorders in the literature. This variant has been identified in 1/251356 chromosomes in the general population by the Genome Aggregation Database (gnomAD). The available evidence is insufficient to determine the role of this variant in disease conclusively. Therefore, this variant is classified as a Variant of Uncertain Significance.

This study involves interpretation of variants in research participants for the purpose of population health screening. Participant phenotype was not available at the time of variant classification. Additional details can be found in publication PMID: 35346344, PMCID: PMC8962531

Myriad Genetics, Inc.
Classification: Benign for Breast-ovarian cancer, familial, susceptibility to, 2. Last evaluated: 2023-06-23. Review status: criteria provided, single submitter. Criteria: Myriad Autosomal Dominant, Autosomal Recessive and X-Linked Classification Criteria (2023). Collection method: clinical testing. Allele origin: unknown.
Comment: This variant is considered benign. This variant has been observed in conjunction with multiple pathogenic variants, reducing the likelihood this variant itself is pathogenic. This variant is strongly associated with less severe personal and family histories of cancer, typical for individuals without pathogenic variants in this gene [PMID: 25085752].

Quest Diagnostics Nichols Institute San Juan Capistrano
Classification: Uncertain significance. Last evaluated: 2023-03-01. Review status: criteria provided, single submitter. Criteria: Quest Diagnostics criteria. Collection method: clinical testing. Allele origin: unknown.
Comment: The frequency of this variant in the general population, 0.000004 (1/251356 chromosomes), is uninformative in assessment of its pathogenicity. In the published literature, the variant has been reported in an individual with a personal or family history of hereditary breast and/or ovarian cancer (HBOC) (PMID: 31853058 (2020)). Analysis of this variant using bioinformatics tools for the prediction of the effect of amino acid changes on protein structure and function yielded predictions that this variant is benign. Based on the available information, we are unable to determine the clinical significance of this variant.

Women's Health and Genetics/Laboratory Corporation of America, LabCorp
Classification: Uncertain significance. Last evaluated: 2016-02-24. Review status: criteria provided, single submitter. Criteria: LabCorp Variant Classification Summary - May 2015. Collection method: clinical testing. Allele origin: germline.

GeneDx
Classification: Uncertain significance. Last evaluated: 2016-01-18. Review status: criteria provided, single submitter. Criteria: GeneDx Variant Classification (06012015). Collection method: clinical testing. Allele origin: germline. Affected: yes.
Comment: This variant is denoted BRCA2 c.8098A>C at the cDNA level, p.Ile2700Leu (I2700L) at the protein level, and results in the change of an Isoleucine to a Leucine (ATA>CTA). This variant, also known as 8326A>C using alternate nomenclature, has not, to our knowledge, been published in the literature as pathogenic or benign. BRCA2 Ile2700Leu was not observed in approximately 6,500 individuals of European and African American ancestry in the NHLBI Exome Sequencing Project, suggesting it is not a common benign variant in these populations. Since Isoleucine and Leucine share similar properties, this is considered a conservative amino acid substitution. BRCA2 Ile2700Leu occurs at a position that is not conserved and is located within the DNA binding domain (Borg 2010). In silico analyses predict that this variant is unlikely to alter protein structure or function. Based on currently available information, it is unclear whether BRCA2 Ile2700Leu is pathogenic or benign. We consider it to be a variant of uncertain significance.

Counsyl
Classification: Uncertain significance for Breast-ovarian cancer, familial, susceptibility to, 2. Last evaluated: 2017-05-12. Review status: no assertion criteria provided. Collection method: clinical testing. Allele origin: unknown. Not counted in ClinVar's aggregate classification.

Sharing Clinical Reports Project (SCRP)
Classification: Uncertain significance for Breast-ovarian cancer, familial 2. Last evaluated: 2010-07-27. Review status: no assertion criteria provided. Collection method: clinical testing. Allele origin: germline. Not counted in ClinVar's aggregate classification.

Breast Cancer Information Core (BIC) (BRCA2)
Classification: Uncertain significance for Breast-ovarian cancer, familial 2. Last evaluated: 2002-05-29. Review status: no assertion criteria provided. Collection method: clinical testing. Allele origin: germline. Affected: yes. Observed: 3 variant alleles. Not counted in ClinVar's aggregate classification.

Literature cited by the submitters: PubMed 19043619 (cited by 4 submitters); PubMed 31853058 (cited by 3 submitters); PubMed 25085752 (cited by Myriad Genetics, Inc.).

NM_000059.4(BRCA2):c.8098A>C (p.Ile2700Leu)

Gene: BRCA2 (BRCA2 DNA repair associated; plus strand). Cytogenetic location: 13q13.1.
Variant type: single nucleotide variant.
Coding change: c.8098A>C on transcript NM_000059.4 (MANE Select); coding-DNA position 8098, A replaced by C.
Protein change: p.Ile2700Leu; replaces isoleucine 2700 with leucine.
Molecular consequence: missense variant.
Genome position (GRCh38, 1-based): chr13:32,363,300, A>C. VCF-style: chr13-32363300-A-C. GRCh37 (hg19) VCF-style: chr13-32937437-A-C.
Other names: p.I2700L:ATA>CTA; p.Ile2700Leu; 8326A>C; short protein forms I2700L.
Identifiers: ClinVar variation 52504 (VCV000052504.27), dbSNP rs80359053, ClinGen allele CA025452.